The following is an entry in ClinVar:

ClinVar aggregate classification (germline): Pathogenic (1 of 4 stars; one submission).

Conditions:
Myoclonic dystonia 11 (DYT11). Also called: DYT-SGCE; Myoclonic dystonia; Dystonia 11; Dystonia, alcohol responsive; Hereditary essential myoclonus; SGCE Myoclonus-Dystonia. Identifiers: Orphanet 36899, MedGen C1834570, MONDO:0008044, OMIM 159900.

Submission:

Labcorp Genetics (formerly Invitae), Labcorp
Classification: Pathogenic for Myoclonic dystonia 11. Last evaluated: 2022-02-24. Review status: criteria provided, single submitter. Criteria: Invitae Variant Classification Sherloc (09022015). Collection method: clinical testing. Allele origin: germline.
Comment: For these reasons, this variant has been classified as Pathogenic. Algorithms developed to predict the effect of sequence changes on RNA splicing suggest that this variant may disrupt the consensus splice site. Disruption of this splice site has been observed in individuals with clinical features of primary dystonia (Invitae). This variant is not present in population databases (gnomAD no frequency). This sequence change affects an acceptor splice site in intron 3 of the SGCE gene. It is expected to disrupt RNA splicing. Variants that disrupt the donor or acceptor splice site typically lead to a loss of protein function (PMID: 16199547), and loss-of-function variants in SGCE are known to be pathogenic (PMID: 12821748, 15389977, 17853490, 24297365).

Literature cited by the submitters: PubMed 16199547; PubMed 12821748; PubMed 15389977; PubMed 17853490; PubMed 24297365.

NM_003919.3(SGCE):c.391-1G>T

Genes: CASD1 (CAS1 domain sialic acid O acetyltransferase 1; plus strand), SGCE (sarcoglycan epsilon; minus strand). Cytogenetic location: 7q21.3.
Variant type: single nucleotide variant.
Coding change: c.391-1G>T on transcript NM_003919.3 (MANE Select); the canonical splice acceptor site of the intron before coding-DNA position 391, G replaced by T.
Molecular consequence: splice acceptor variant.
Genome position (GRCh38, 1-based): chr7:94,623,398, C>A on the plus strand (G>T on the coding strand, the complement: SGCE is on the minus strand). VCF-style: chr7-94623398-C-A. GRCh37 (hg19) VCF-style: chr7-94252710-C-A.
Other names: c.268-1G>T (NM_001362809.2, NM_001301139.2); c.391-1G>T (NM_001346717.2, NM_001099400.2, NM_001099401.2); c.499-1G>T (NM_001346715.2, NM_001346713.2); c.304-1G>T (NM_001362807.2, NM_001346719.2); c.118-1G>T (NM_001362808.2, NM_001346720.2).
Identifiers: ClinVar variation 2102830 (VCV002102830.4), dbSNP rs1803142505, ClinGen allele CA368236967.